The following is an entry in ClinVar:

ClinVar aggregate classification (germline): Uncertain significance. Review status: criteria provided, single submitter (1 of 4 stars). 2 submissions from 2 submitters: Uncertain significance (1). 1 of the submissions does not count toward it. Last evaluated 2025-01-22.

Conditions:
Inborn genetic diseases. Identifiers: MedGen C0950123, MeSH D030342.
CDSN-related disorder. Also called: CDSN-related condition.

Allele frequency attached by ClinVar (database versions not stated): gnomAD exomes 0.00005; ExAC 0.00008; TOPMed 0.00020; gnomAD 0.00021; ESP Exome Variant Server 0.00032; 1000 Genomes Project 0.00040; 1000 Genomes Project 30x 0.00047.
gnomAD v4.1: 100 of 1,612,184 alleles (0.0062%); highest among the groups gnomAD compares: African/African-American, 0.056%; no homozygotes.

Submissions (2):

Ambry Genetics
Classification: Uncertain significance for Inborn genetic diseases. Last evaluated: 2025-01-22. Review status: criteria provided, single submitter. Criteria: Ambry Variant Classification Scheme 2023. Collection method: clinical testing. Allele origin: germline.

PreventionGenetics, part of Exact Sciences
Classification: Uncertain significance for CDSN-related condition. Last evaluated: 2024-05-14. Review status: no assertion criteria provided. Collection method: clinical testing. Allele origin: germline. Not counted in ClinVar's aggregate classification.
Comment: The CDSN c.1441G>A variant is predicted to result in the amino acid substitution p.Ala481Thr. To our knowledge, this variant has not been reported in the literature. This variant is reported in 0.099% of alleles in individuals of Ashkenazi Jewish descent in gnomAD. Although we suspect that this variant may be benign, at this time, the clinical significance of this variant is uncertain due to the absence of conclusive functional and genetic evidence.

NM_001264.5(CDSN):c.1441G>A (p.Ala481Thr)

Genes: CDSN (corneodesmosin; minus strand), PSORS1C1 (psoriasis susceptibility 1 candidate 1; plus strand). Cytogenetic location: 6p21.33.
Variant type: single nucleotide variant.
Coding change: c.1441G>A on transcript NM_001264.5 (MANE Select); coding-DNA position 1441, G replaced by A.
Protein change: p.Ala481Thr; replaces alanine 481 with threonine.
Molecular consequence: missense variant. On other transcripts: intron variant (1).
Genome position (GRCh38, 1-based): chr6:31,116,174, C>T on the plus strand (G>A on the coding strand, the complement: CDSN is on the minus strand). VCF-style: chr6-31116174-C-T. GRCh37 (hg19) VCF-style: chr6-31083951-C-T.
Other names: c.-229+1283C>T (NM_014068.3); short protein forms A481T.
Identifiers: ClinVar variation 2392544 (VCV002392544.4), dbSNP rs138093208, ClinGen allele CA3708312.